The following is an entry in ClinVar:

NM_020778.5(ALPK3):c.5104C>T (p.Gln1702Ter)

Gene: ALPK3 (alpha kinase 3; plus strand). Cytogenetic location: 15q25.3.
Variant type: single nucleotide variant.
Coding change: c.5104C>T on transcript NM_020778.5 (MANE Select); coding-DNA position 5104, C replaced by T.
Protein change: p.Gln1702Ter; replaces glutamine 1702 with a stop codon.
Molecular consequence: nonsense.
Genome position (GRCh38, 1-based): chr15:84,868,442, C>T. VCF-style: chr15-84868442-C-T. GRCh37 (hg19) VCF-style: chr15-85411673-C-T.
Other names: short protein forms Q1702*.
Identifiers: ClinVar variation 1749240 (VCV001749240.5), dbSNP rs1265604910, ClinGen allele CA393366518.
Genomic context (GRCh38, chr15:84,868,442, plus strand): 5'-GAGCCAGTCACCACTCAGTTGTTGGGACAGCCTCCCACCCAAGAGGAGGGCTCCAAGGCC[C>T]AGGGCATGCGGTAGCCTCCGCAGAGGCTGGGGGCCTCCACCCAGCAGCAGACCAACCAGG-3'

ClinVar aggregate classification (germline): Uncertain significance. Review status: criteria provided, multiple submitters, no conflicts (2 of 4 stars). 2 submissions from 2 submitters: Uncertain significance (2). Last evaluated 2023-11-08.

Conditions:
Cardiovascular phenotype. Identifiers: MedGen CN230736.

Submissions (2):

Labcorp Genetics (formerly Invitae), Labcorp
Classification: Uncertain significance. Last evaluated: 2023-11-08. Review status: criteria provided, single submitter. Criteria: Invitae Variant Classification Sherloc (09022015). Collection method: clinical testing. Allele origin: germline.
Comment: This sequence change creates a premature translational stop signal (p.Gln1904*) in the ALPK3 gene. While this is not anticipated to result in nonsense mediated decay, it is expected to disrupt the last 4 amino acid(s) of the ALPK3 protein. This variant is not present in population databases (gnomAD no frequency). This variant has not been reported in the literature in individuals affected with ALPK3-related conditions. ClinVar contains an entry for this variant (Variation ID: 1749240). Experimental studies and prediction algorithms are not available or were not evaluated, and the functional significance of this variant is currently unknown. In summary, the available evidence is currently insufficient to determine the role of this variant in disease. Therefore, it has been classified as a Variant of Uncertain Significance.

Ambry Genetics
Classification: Uncertain significance for Cardiovascular phenotype. Last evaluated: 2022-02-24. Review status: criteria provided, single submitter. Criteria: Ambry Variant Classification Scheme 2023. Collection method: clinical testing. Allele origin: germline.
Comment: The p.Q1904* variant (also known as c.5710C>T), located in coding exon 14 of the ALPK3 gene, results from a C to T substitution at nucleotide position 5710. This changes the amino acid from a glutamine to a stop codon within coding exon 14. This alteration occurs at the 3' terminus of theALPK3 gene, is not expected to trigger nonsense-mediated mRNAdecay, and only impacts the last 4 amino acids of the protein. The exact functional effect of this alteration is unknown. Since supporting evidence is limited at this time, the clinical significance of this alteration remains unclear.